The following is an entry in ClinVar:

ClinVar aggregate classification (germline): Likely benign. Review status: criteria provided, multiple submitters, no conflicts (2 of 4 stars). 3 submissions from 3 submitters: Likely benign (3). Last evaluated 2026-09-01.

Conditions:
Symmetrical dyschromatosis of extremities (DSH). Also called: SYMMETRIC DYSCHROMATOSIS OF THE EXTREMITIES; RETICULATE ACROPIGMENTATION OF DOHI; DYSCHROMATOSIS SYMMETRICA HEREDITARIA 1; Dyschromatosis symmetrica hereditaria. Identifiers: Orphanet 41, MedGen C0406775, MONDO:0007483, OMIM 127400.
Aicardi-Goutieres syndrome 6 (AGS6). Identifiers: Orphanet 51, MedGen C3539013, MONDO:0014007, OMIM 615010.

Allele frequency attached by ClinVar (database versions not stated): gnomAD 0.00001 and 0.00007; TOPMed 0.00001; gnomAD exomes 0.00014 and 0.00026; ExAC 0.00035; 1000 Genomes Project 0.00060; 1000 Genomes Project 30x 0.00062.
gnomAD v4.1: 219 of 1,614,176 alleles (0.014%); highest among the groups gnomAD compares: South Asian, 0.23%; 2 homozygotes.

Submissions (3):

CeGaT Center for Human Genetics Tuebingen
Classification: Likely benign. Last evaluated: 2026-09-01. Review status: criteria provided, single submitter. Criteria: CeGaT Center For Human Genetics Tuebingen Variant Classification Criteria Version 2. Collection method: clinical testing. Allele origin: germline. Affected: yes. Observed: 4 variant alleles.
Comment: ADAR: BP4, BP7

Labcorp Genetics (formerly Invitae), Labcorp
Classification: Likely benign for Aicardi-Goutieres syndrome 6; Symmetrical dyschromatosis of extremities. Last evaluated: 2026-02-01. Review status: criteria provided, single submitter. Criteria: Invitae Variant Classification Sherloc (09022015). Collection method: clinical testing. Allele origin: germline.

Blueprint Genetics
Classification: Likely benign. Last evaluated: 2024-10-11. Review status: criteria provided, single submitter. Criteria: ACMG Guidelines, 2015. Collection method: clinical testing. Allele origin: germline.

NM_001111.5(ADAR):c.1890C>T (p.Cys630=)

Gene: ADAR (adenosine deaminase RNA specific; minus strand). Cytogenetic location: 1q21.3.
Variant type: single nucleotide variant.
Coding change: c.1890C>T on transcript NM_001111.5 (MANE Select); coding-DNA position 1890, C replaced by T.
Protein change: p.Cys630=; no amino-acid change (cysteine 630 retained).
Molecular consequence: synonymous variant.
Genome position (GRCh38, 1-based): chr1:154,597,872, G>A on the plus strand (C>T on the coding strand, the complement: ADAR is on the minus strand). VCF-style: chr1-154597872-G-A. GRCh37 (hg19) VCF-style: chr1-154570348-G-A.
Other names: c.1890C>T, p.Cys630= (LRG_1212t1, NM_015840.4, NM_015841.4); c.1005C>T, p.Cys335= (NM_001025107.3, NM_001193495.2, NM_001365046.1 and 3 more transcripts); c.1917C>T, p.Cys639= (NM_001365045.1).
Identifiers: ClinVar variation 540267 (VCV000540267.23), dbSNP rs558496566, ClinGen allele CA1131436.